The following is an entry in ClinVar:

ClinVar aggregate classification (germline): Likely benign (1 of 4 stars; one submission).

Allele frequency attached by ClinVar (database versions not stated): gnomAD exomes 0.00004; gnomAD 0.00005; TOPMed 0.00006; ExAC 0.00007; ESP Exome Variant Server 0.00008; 1000 Genomes Project 0.00020; 1000 Genomes Project 30x 0.00031.
gnomAD v4.1: 79 of 1,614,248 alleles (0.0049%); highest among the groups gnomAD compares: Middle Eastern, 0.23%; no homozygotes.

Submission:

CeGaT Center for Human Genetics Tuebingen
Classification: Likely benign. Last evaluated: 2022-04-01. Review status: criteria provided, single submitter. Criteria: CeGaT Center For Human Genetics Tuebingen Variant Classification Criteria Version 2. Collection method: clinical testing. Allele origin: germline. Affected: yes. Observed: 1 variant allele.
Comment: SUPV3L1: BP4, BP7

NM_003171.5(SUPV3L1):c.99G>A (p.Gly33=)

Gene: SUPV3L1 (Suv3 like RNA helicase; plus strand). Cytogenetic location: 10q22.1.
Variant type: single nucleotide variant.
Coding change: c.99G>A on transcript NM_003171.5 (MANE Select); coding-DNA position 99, G replaced by A.
Protein change: p.Gly33=; no amino-acid change (glycine 33 retained).
Molecular consequence: synonymous variant. On other transcripts: 5 prime UTR variant (6), non-coding transcript variant (2).
Genome position (GRCh38, 1-based): chr10:69,180,390, G>A. VCF-style: chr10-69180390-G-A. GRCh37 (hg19) VCF-style: chr10-70940146-G-A.
Other names: c.-430G>A (NM_001301683.2); c.-343G>A (NM_001323584.2); c.-473G>A (NM_001323585.2); c.-338G>A (NM_001323586.2); c.-811G>A (NM_001323587.2); c.-859G>A (NM_001323588.2).
Identifiers: ClinVar variation 2640543 (VCV002640543.24), dbSNP rs376027793, ClinGen allele CA5530413.